The following is an entry in ClinVar:

ClinVar aggregate classification (germline): Uncertain significance (1 of 4 stars; one submission).

Conditions:
Familial cancer of breast. Also called: BREAST CANCER, FAMILIAL; hereditary breast carcinoma; Hereditary breast cancer. Identifiers: Orphanet 227535, MedGen C0346153, MONDO:0016419, OMIM 114480. Disease mechanism: loss of function.

Submission:

Labcorp Genetics (formerly Invitae), Labcorp
Classification: Uncertain significance for Familial cancer of breast. Last evaluated: 2023-08-17. Review status: criteria provided, single submitter. Criteria: Invitae Variant Classification Sherloc (09022015). Collection method: clinical testing. Allele origin: germline.
Comment: In summary, the available evidence is currently insufficient to determine the role of this variant in disease. Therefore, it has been classified as a Variant of Uncertain Significance. An algorithm developed to predict the effect of missense changes on protein structure and function (PolyPhen-2) suggests that this variant is likely to be tolerated. This variant has not been reported in the literature in individuals affected with PALB2-related conditions. This variant is not present in population databases (gnomAD no frequency). This sequence change replaces aspartic acid, which is acidic and polar, with glutamic acid, which is acidic and polar, at codon 111 of the PALB2 protein (p.Asp111Glu).

NM_024675.4(PALB2):c.333T>A (p.Asp111Glu)

Gene: PALB2 (partner and localizer of BRCA2; minus strand). Cytogenetic location: 16p12.2.
Variant type: single nucleotide variant.
Coding change: c.333T>A on transcript NM_024675.4 (MANE Select); coding-DNA position 333, T replaced by A.
Protein change: p.Asp111Glu; replaces aspartic acid 111 with glutamic acid.
Molecular consequence: missense variant. On other transcripts: 5 prime UTR variant (8), intron variant (3).
Genome position (GRCh38, 1-based): chr16:23,636,213, A>T on the plus strand (T>A on the coding strand, the complement: PALB2 is on the minus strand). VCF-style: chr16-23636213-A-T. GRCh37 (hg19) VCF-style: chr16-23647534-A-T.
Other names: c.273T>A, p.Asp91Glu (NM_001407296.1); c.333T>A, p.Asp111Glu (NM_001407297.1, NM_001407298.1, NM_001407299.1 and 3 more transcripts); c.-553T>A (NM_001407304.1, NM_001407305.1, NM_001407306.1 and 5 more transcripts); c.48+4897T>A (NM_001407314.1); c.-105+4897T>A (NM_001407313.1, NM_001407312.1); short protein forms D111E, D91E.
Identifiers: ClinVar variation 2753394 (VCV002753394.3), dbSNP rs1597099553, ClinGen allele CA395137789.